The following is an entry in ClinVar:

NM_001197104.2(KMT2A):c.9929G>C (p.Gly3310Ala)

Gene: KMT2A (lysine methyltransferase 2A; plus strand). Cytogenetic location: 11q23.3.
Variant type: single nucleotide variant.
Coding change: c.9929G>C on transcript NM_001197104.2 (MANE Select); coding-DNA position 9929, G replaced by C.
Protein change: p.Gly3310Ala; replaces glycine 3310 with alanine.
Molecular consequence: missense variant.
Genome position (GRCh38, 1-based): chr11:118,505,821, G>C. VCF-style: chr11-118505821-G-C. GRCh37 (hg19) VCF-style: chr11-118376536-G-C.
Other names: c.10019G>C, p.Gly3340Ala (NM_001412597.1); c.9920G>C, p.Gly3307Ala (NM_005933.4); short protein forms G3307A, G3310A, G3340A.
Identifiers: ClinVar variation 4800581 (VCV004800581.1).

ClinVar aggregate classification (germline): Uncertain significance (1 of 4 stars; one submission).

Submission:

Labcorp Genetics (formerly Invitae), Labcorp
Classification: Uncertain significance. Last evaluated: 2025-09-20. Review status: criteria provided, single submitter. Criteria: Invitae Variant Classification Sherloc (09022015). Collection method: clinical testing. Allele origin: germline.
Comment: This sequence change replaces glycine, which is neutral and non-polar, with alanine, which is neutral and non-polar, at codon 3310 of the KMT2A protein (p.Gly3310Ala). This variant is not present in population databases (gnomAD no frequency). This variant has not been reported in the literature in individuals affected with KMT2A-related conditions. Invitae Evidence Modeling of protein sequence and biophysical properties (such as structural, functional, and spatial information, amino acid conservation, physicochemical variation, residue mobility, and thermodynamic stability) indicates that this missense variant is not expected to disrupt KMT2A protein function with a negative predictive value of 95%. In summary, the available evidence is currently insufficient to determine the role of this variant in disease. Therefore, it has been classified as a Variant of Uncertain Significance.